The following is an entry in ClinVar:

ClinVar aggregate classification (germline): Uncertain significance (1 of 4 stars; one submission).

Conditions:
Bilateral frontoparietal polymicrogyria. Also called: CORTICAL DYSPLASIA, COMPLEX, WITH OTHER BRAIN MALFORMATIONS 14A (BILATERAL FRONTOPARIETAL); CEREBELLAR ATAXIA WITH NEURONAL MIGRATION DEFECT. Identifiers: Orphanet 101070, MedGen C1847352, MONDO:0011738, OMIM 606854.

Submission:

Institute of Human Genetics, University of Leipzig Medical Center
Classification: Uncertain significance for Bilateral frontoparietal polymicrogyria. Last evaluated: 2020-03-01. Review status: criteria provided, single submitter. Criteria: ACMG Guidelines, 2015. Collection method: clinical testing. Allele origin: biparental. Inheritance: Autosomal recessive inheritance. Affected: yes.
Comment: Review of the variants reported in Reuter et al., 2017, PMID: 28097321: PM2,PM3_Supporting,(PP1)

NM_201525.4(ADGRG1):c.64+5G>A

Gene: ADGRG1 (adhesion G protein-coupled receptor G1; plus strand). Cytogenetic location: 16q21.
Variant type: single nucleotide variant.
Coding change: c.64+5G>A on transcript NM_201525.4 (MANE Select); 5 bases into the intron after coding-DNA position 64, G replaced by A.
Molecular consequence: intron variant.
Genome position (GRCh38, 1-based): chr16:57,650,356, G>A. VCF-style: chr16-57650356-G-A. GRCh37 (hg19) VCF-style: chr16-57684268-G-A.
Other names: c.64+5G>A (NM_001370440.1, NM_001370428.1, NM_001370436.1 and 20 more transcripts); c.-419+5G>A (NM_001370451.1, NM_001290143.2, NM_001290144.2); c.-503+5G>A (NM_001370453.1); c.-414-891G>A (NM_001370454.1).
Identifiers: ClinVar variation 984712 (VCV000984712.1), dbSNP rs2043729030, ClinGen allele CA396040551.